The following is an entry in ClinVar:

ClinVar aggregate classification (germline): Likely benign. Review status: criteria provided, multiple submitters, no conflicts (2 of 4 stars). 5 submissions from 5 submitters: Likely benign (4). 1 of the submissions does not count toward it. Last evaluated 2026-01-25.

Conditions:
NTHL1-related disorder. Also called: NTHL1-related condition; NTHL1-related conditions.
Hereditary cancer-predisposing syndrome. Also called: Hereditary Cancer Syndrome; Neoplastic Syndromes, Hereditary; Tumor predisposition; Hereditary neoplastic syndrome. Identifiers: Orphanet 140162, MedGen C0027672, MeSH D009386, MONDO:0015356.

Allele frequency attached by ClinVar (database versions not stated): ExAC 0.00001; gnomAD exomes 0.00002 and 0.00003; TOPMed 0.00003; gnomAD 0.00004; ESP Exome Variant Server 0.00008.
gnomAD v4.1: 46 of 1,612,262 alleles (0.0029%); highest among the groups gnomAD compares: Non-Finnish European, 0.0031%; no homozygotes.

Submissions (5):

Labcorp Genetics (formerly Invitae), Labcorp
Classification: Likely benign. Last evaluated: 2026-01-25. Review status: criteria provided, single submitter. Criteria: Invitae Variant Classification Sherloc (09022015). Collection method: clinical testing. Allele origin: germline.

Sema4
Classification: Likely benign for Hereditary cancer-predisposing syndrome. Last evaluated: 2021-07-22. Review status: criteria provided, single submitter. Criteria: Sema4 Curation Guidelines. Collection method: curation. Allele origin: germline.

GeneDx
Classification: Likely benign. Last evaluated: 2021-02-22. Review status: criteria provided, single submitter. Criteria: GeneDx Variant Classification Process June 2021. Collection method: clinical testing. Allele origin: germline. Affected: yes.

Ambry Genetics
Classification: Likely benign for Hereditary cancer-predisposing syndrome. Last evaluated: 2019-05-23. Review status: criteria provided, single submitter. Criteria: Ambry Variant Classification Scheme 2023. Collection method: clinical testing. Allele origin: germline.

PreventionGenetics, part of Exact Sciences
Classification: Likely benign for NTHL1-related condition. Last evaluated: 2022-05-04. Review status: no assertion criteria provided. Collection method: clinical testing. Allele origin: germline. Not counted in ClinVar's aggregate classification.
Comment: This variant is classified as likely benign based on ACMG/AMP sequence variant interpretation guidelines (Richards et al. 2015 PMID: 25741868, with internal and published modifications).

Literature cited by the submitters: PubMed 31227763 (cited by Sema4).

NM_002528.7(NTHL1):c.444G>A (p.Ala148=)

Gene: NTHL1 (nth like DNA glycosylase 1; minus strand). Cytogenetic location: 16p13.3.
Variant type: single nucleotide variant.
Coding change: c.444G>A on transcript NM_002528.7 (MANE Select); coding-DNA position 444, G replaced by A.
Protein change: p.Ala148=; no amino-acid change (alanine 148 retained).
Molecular consequence: synonymous variant. On other transcripts: intron variant (1).
Genome position (GRCh38, 1-based): chr16:2,044,711, C>T on the plus strand (G>A on the coding strand, the complement: NTHL1 is on the minus strand). VCF-style: chr16-2044711-C-T. GRCh37 (hg19) VCF-style: chr16-2094712-C-T.
Other names: c.444G>A, p.Ala148= (LRG_1366t1); c.114G>A, p.Ala38= (NM_001318194.2); c.355-985G>A (NM_001318193.2).
Identifiers: ClinVar variation 515021 (VCV000515021.21), dbSNP rs145366761, ClinGen allele CA7828257.